The following is an entry in ClinVar:

ClinVar aggregate classification (germline): Pathogenic (1 of 4 stars; one submission).

Conditions:
Congenital myasthenic syndrome (CMS). Also called: Congenital Myasthenic Syndromes. Identifiers: Orphanet 590, MedGen C0751882, MeSH D020294, MONDO:0018940.

Submission:

Myriad Genetics, Inc.
Classification: Pathogenic for Congenital myasthenic syndrome. Last evaluated: 2025-11-10. Review status: criteria provided, single submitter. Criteria: Myriad Autosomal Dominant, Autosomal Recessive and X-Linked Classification Criteria (2023). Collection method: clinical testing. Allele origin: unknown.
Comment: NM_000080.3(CHRNE):c.444C>A(C148*) is expected to be pathogenic in the context of congenital myasthenic syndrome, CHRNE-related. This variant is predicted to lead to an abnormal or absent protein product due to the creation of a premature termination codon in CHRNE, a gene where loss-of-function variants are known to be pathogenic. Please note: this variant was assessed in the context of healthy population screening.

NM_000080.4(CHRNE):c.444C>A (p.Cys148Ter)

Genes: CHRNE (cholinergic receptor nicotinic epsilon subunit; minus strand), C17orf107 (chromosome 17 open reading frame 107; plus strand). Cytogenetic location: 17p13.2.
Variant type: single nucleotide variant.
Coding change: c.444C>A on transcript NM_000080.4 (MANE Select); coding-DNA position 444, C replaced by A.
Protein change: p.Cys148Ter; replaces cysteine 148 with a stop codon.
Molecular consequence: nonsense. On other transcripts: 3 prime UTR variant (1).
Genome position (GRCh38, 1-based): chr17:4,901,988, G>T on the plus strand (C>A on the coding strand, the complement: CHRNE is on the minus strand). VCF-style: chr17-4901988-G-T. GRCh37 (hg19) VCF-style: chr17-4805283-G-T.
Other names: c.*1455G>T (NM_001145536.2); short protein forms C148*.
Identifiers: ClinVar variation 5015199 (VCV005015199.1).